The following is an entry in ClinVar:

NM_000834.5(GRIN2B):c.2081A>G (p.Asn694Ser)

Gene: GRIN2B (glutamate ionotropic receptor NMDA type subunit 2B; minus strand). Cytogenetic location: 12p13.1.
Variant type: single nucleotide variant.
Coding change: c.2081A>G on transcript NM_000834.5 (MANE Select); coding-DNA position 2081, A replaced by G.
Protein change: p.Asn694Ser; replaces asparagine 694 with serine.
Molecular consequence: missense variant.
Genome position (GRCh38, 1-based): chr12:13,571,894, T>C on the plus strand (A>G on the coding strand, the complement: GRIN2B is on the minus strand). VCF-style: chr12-13571894-T-C. GRCh37 (hg19) VCF-style: chr12-13724828-T-C.
Other names: short protein forms N694S.
Identifiers: ClinVar variation 802823 (VCV000802823.4), dbSNP rs1591612317, ClinGen allele CA383999553.

ClinVar aggregate classification (germline): Likely pathogenic. Review status: criteria provided, multiple submitters, no conflicts (2 of 4 stars). 2 submissions from 2 submitters: Likely pathogenic (2). Last evaluated 2023-12-18.

Conditions:
Complex neurodevelopmental disorder. Identifiers: Orphanet 528084, MedGen C5568766, MONDO:0100038.
GRIN2B-related disorder. Also called: GRIN2B-related condition.
Intellectual developmental disorder, autosomal dominant 6, with or without seizures. Also called: Intellectual disability, autosomal dominant 6; GRIN2B-related developmental delay, intellectual disability and autism spectrum disorder. Identifiers: Orphanet 589547, MedGen C3151411, MONDO:0013509, OMIM 613970.

Submissions (2):

Rady Children's Institute for Genomic Medicine, Rady Children's Hospital San Diego
Classification: Likely pathogenic for GRIN2B-related disorders. Last evaluated: 2023-12-18. Review status: criteria provided, single submitter. Criteria: ACMG Guidelines, 2015. Collection method: clinical testing. Allele origin: germline. Affected: yes.
Comment: Missense variation is an established mechanism of disease for GRIN2B-related disorders (PMID: 29851452). The c.2081A>G (p.Asn694Ser) variant affects a highly conserved amino acid and is predicted by multiple in silico tools to have a deleterious effect on protein function. This variant has been previously reported as a de novo heterozygous change in a patient with possible autism spectrum disorder or neurodevelopmental disorder and co-occurring medical conditions; clinical details are limited (PMID: 33727758). The c.2081A>G (p.Asn694Ser) variant is absent from the gnomAD population database and thus is presumed to be rare. Analysis of the parental samples was negative for the variant, indicating this variant likely occurred as a de novo event. Based on the available evidence, c.2081A>G (p.Asn694Ser) is classified as Likely Pathogenic.

Mendelics
Classification: Likely pathogenic for Intellectual developmental disorder, autosomal dominant 6, with or without seizures. Last evaluated: 2019-05-28. Review status: criteria provided, single submitter. Criteria: Mendelics Assertion Criteria 2017. Collection method: clinical testing. Allele origin: unknown.

Literature cited by the submitters: PubMed 33727758 (cited by Rady Children's Institute for Genomic Medicine, Rady Children's Hospital San Diego).